The following is an entry in ClinVar:

NM_000372.5(TYR):c.646T>A (p.Leu216Met)

Gene: TYR (tyrosinase; plus strand). Cytogenetic location: 11q14.3.
Variant type: single nucleotide variant.
Coding change: c.646T>A on transcript NM_000372.5 (MANE Select); coding-DNA position 646, T replaced by A.
Protein change: p.Leu216Met; replaces leucine 216 with methionine.
Molecular consequence: missense variant.
Genome position (GRCh38, 1-based): chr11:89,178,599, T>A. VCF-style: chr11-89178599-T-A. GRCh37 (hg19) VCF-style: chr11-88911767-T-A.
Other names: short protein forms L216M.
Identifiers: ClinVar variation 3806 (VCV000003806.8), dbSNP rs61754363, ClinGen allele CA227576.

ClinVar aggregate classification (germline): Uncertain significance. Review status: criteria provided, multiple submitters, no conflicts (2 of 4 stars). 5 submissions from 5 submitters: Uncertain significance (3). 2 of the submissions do not count toward it. Last evaluated 2025-11-03.

Conditions:
Oculocutaneous albinism type 1A (OCA1A). Also called: Albinism, oculocutaneous, type IA. Identifiers: Orphanet 352731, Orphanet 79431, MedGen C4551504, MONDO:0008745, OMIM 203100. Disease mechanism: loss of function.

Allele frequency attached by ClinVar (database versions not stated): gnomAD 0.00002 and 0.00003; TOPMed 0.00002.
gnomAD v4.1: 15 of 1,612,908 alleles (0.00093%); highest among the groups gnomAD compares: Admixed American, 0.013%; no homozygotes.

Submissions (5):

Labcorp Genetics (formerly Invitae), Labcorp
Classification: Uncertain significance. Last evaluated: 2025-11-03. Review status: criteria provided, single submitter. Criteria: Invitae Variant Classification Sherloc (09022015). Collection method: clinical testing. Allele origin: germline.
Comment: This sequence change replaces leucine, which is neutral and non-polar, with methionine, which is neutral and non-polar, at codon 216 of the TYR protein (p.Leu216Met). This variant is present in population databases (rs61754363, gnomAD 0.009%). This missense change has been observed in individual(s) with oculocutaneous albinism (PMID: 8434585). ClinVar contains an entry for this variant (Variation ID: 3806). Invitae Evidence Modeling of protein sequence and biophysical properties (such as structural, functional, and spatial information, amino acid conservation, physicochemical variation, residue mobility, and thermodynamic stability) has been performed for this missense variant. However, the output from this modeling did not meet the statistical confidence thresholds required to predict the impact of this variant on TYR protein function. In summary, the available evidence is currently insufficient to determine the role of this variant in disease. Therefore, it has been classified as a Variant of Uncertain Significance.

Blueprint Genetics
Classification: Uncertain significance. Last evaluated: 2023-12-11. Review status: criteria provided, single submitter. Criteria: ACMG Guidelines, 2015. Collection method: clinical testing. Allele origin: germline.

Women's Health and Genetics/Laboratory Corporation of America, LabCorp
Classification: Uncertain significance. Last evaluated: 2023-12-08. Review status: criteria provided, single submitter. Criteria: LabCorp Variant Classification Summary - May 2015. Collection method: clinical testing. Allele origin: germline.
Comment: Variant summary: TYR c.646T>A (p.Leu216Met) results in a conservative amino acid change located in the Tyrosinase copper-binding domain (IPR002227) of the encoded protein sequence. Four of five in-silico tools predict a damaging effect of the variant on protein function. The variant allele was found at a frequency of 1.6e-05 in 250976 control chromosomes. The available data on variant occurrences in the general population are insufficient to allow any conclusion about variant significance. c.646T>A has been reported at a compound heterozygous state along with a second pathogenic variant in one individual affected with Oculocutaneous Albinism (Oetting_1993). In another case with inherited eye diseases, this variant was seen along with two other pathogenic missense variants in TYR (Schlottmann_2023). These data do not allow any conclusion about variant significance. To our knowledge, no experimental evidence demonstrating an impact on protein function has been reported. The following publications have been ascertained in the context of this evaluation (PMID: 31589614, 8434585, 37217489). One submitter has cited clinical-significance assessments for this variant to ClinVar after 2014 and has classified the variant as uncertain significance. Based on the evidence outlined above, the variant was classified as uncertain significance.

Retina International
No classification provided. Review status: no classification provided. Collection method: not provided. Allele origin: not provided. Not counted in ClinVar's aggregate classification.

OMIM
Classification: Pathogenic for ALBINISM, OCULOCUTANEOUS, TYPE IA. Last evaluated: 1993-01-01. Review status: flagged submission. Collection method: literature only. Allele origin: germline. Not counted in ClinVar's aggregate classification.
ClinVar note: Reason: Older claim that does not account for recent evidence

Literature cited by the submitters: PubMed 8434585 (cited by 3 submitters); PubMed 31589614 (cited by Women's Health and Genetics/Laboratory Corporation of America, LabCorp); PubMed 37217489 (cited by Women's Health and Genetics/Laboratory Corporation of America, LabCorp).